The following is an entry in ClinVar:

ClinVar aggregate classification (germline): Uncertain significance (1 of 4 stars; one submission).

Submission:

GeneDx
Classification: Uncertain significance. Last evaluated: 2023-03-28. Review status: criteria provided, single submitter. Criteria: GeneDx Variant Classification Process June 2021. Collection method: clinical testing. Allele origin: germline. Affected: yes.
Comment: Not observed at significant frequency in large population cohorts (gnomAD); In silico analysis supports that this missense variant has a deleterious effect on protein structure/function; Has not been previously published as pathogenic or benign to our knowledge

NM_001385012.1(NBEA):c.1835T>G (p.Val612Gly)

Gene: NBEA (neurobeachin; plus strand). Cytogenetic location: 13q13.3.
Variant type: single nucleotide variant.
Coding change: c.1835T>G on transcript NM_001385012.1 (MANE Select); coding-DNA position 1835, T replaced by G.
Protein change: p.Val612Gly; replaces valine 612 with glycine.
Molecular consequence: missense variant.
Genome position (GRCh38, 1-based): chr13:35,110,811, T>G. VCF-style: chr13-35110811-T-G. GRCh37 (hg19) VCF-style: chr13-35684948-T-G.
Other names: c.1835T>G, p.Val612Gly (NM_001379245.1, NM_015678.5); short protein forms V612G.
Identifiers: ClinVar variation 2582034 (VCV002582034.1), dbSNP rs1351914030, ClinGen allele CA387830972.
Genomic context (GRCh38, chr13:35,110,811, plus strand): 5'-ATATGAGCACTTGAGGCATTTTAAATTCATTTTAATGATCTGTTAATATTCTGTATTAGG[T>G]TCAGCTTTCCCTATACACATATTTGTCTGCTGAATTTATTGGAACTGCTACCATCTACAC-3'
Protein context (NP_001371941.1, residues 602-622): PAIWIHTPAK[Val612Gly]QLSLYTYLSA